The following is an entry in ClinVar:

ClinVar aggregate classification (germline): Uncertain significance (1 of 4 stars; one submission).

Submission:

Labcorp Genetics (formerly Invitae), Labcorp
Classification: Uncertain significance. Last evaluated: 2025-01-27. Review status: criteria provided, single submitter. Criteria: Invitae Variant Classification Sherloc (09022015). Collection method: clinical testing. Allele origin: germline.
Comment: This sequence change replaces methionine, which is neutral and non-polar, with isoleucine, which is neutral and non-polar, at codon 144 of the RECQL protein (p.Met144Ile). This variant is not present in population databases (gnomAD no frequency). This variant has not been reported in the literature in individuals affected with RECQL-related conditions. ClinVar contains an entry for this variant (Variation ID: 1472142). Invitae Evidence Modeling of protein sequence and biophysical properties (such as structural, functional, and spatial information, amino acid conservation, physicochemical variation, residue mobility, and thermodynamic stability) indicates that this missense variant is not expected to disrupt RECQL protein function with a negative predictive value of 80%. In summary, the available evidence is currently insufficient to determine the role of this variant in disease. Therefore, it has been classified as a Variant of Uncertain Significance.

NM_002907.4(RECQL):c.432G>A (p.Met144Ile)

Gene: RECQL (RecQ like helicase; minus strand). Cytogenetic location: 12p12.1.
Variant type: single nucleotide variant.
Coding change: c.432G>A on transcript NM_002907.4 (MANE Select); coding-DNA position 432, G replaced by A.
Protein change: p.Met144Ile; replaces methionine 144 with isoleucine.
Molecular consequence: missense variant.
Genome position (GRCh38, 1-based): chr12:21,486,548, C>T on the plus strand (G>A on the coding strand, the complement: RECQL is on the minus strand). VCF-style: chr12-21486548-C-T. GRCh37 (hg19) VCF-style: chr12-21639482-C-T.
Other names: c.432G>A, p.Met144Ile (NM_032941.3); short protein forms M144I.
Identifiers: ClinVar variation 1472142 (VCV001472142.8), dbSNP rs2137388003, ClinGen allele CA384130235.